The following is an entry in ClinVar:

ClinVar aggregate classification (germline): Uncertain significance. Review status: criteria provided, multiple submitters, no conflicts (2 of 4 stars). 2 submissions from 2 submitters: Uncertain significance (2). Last evaluated 2025-10-15.

Conditions:
Inborn genetic diseases. Identifiers: MedGen C0950123, MeSH D030342.

Allele frequency attached by ClinVar (database versions not stated): TOPMed 0.00001; gnomAD 0.00003.
gnomAD v4.1: 40 of 1,613,640 alleles (0.0025%); highest among the groups gnomAD compares: Non-Finnish European, 0.0034%; no homozygotes.

Submissions (2):

Ambry Genetics
Classification: Uncertain significance for Inborn genetic diseases. Last evaluated: 2025-10-15. Review status: criteria provided, single submitter. Criteria: Ambry Variant Classification Scheme 2023. Collection method: clinical testing. Allele origin: germline.

Labcorp Genetics (formerly Invitae), Labcorp
Classification: Uncertain significance. Last evaluated: 2022-04-01. Review status: criteria provided, single submitter. Criteria: Invitae Variant Classification Sherloc (09022015). Collection method: clinical testing. Allele origin: germline.
Comment: In summary, the available evidence is currently insufficient to determine the role of this variant in disease. Therefore, it has been classified as a Variant of Uncertain Significance. Algorithms developed to predict the effect of missense changes on protein structure and function (SIFT, PolyPhen-2, Align-GVGD) all suggest that this variant is likely to be disruptive. This variant has not been reported in the literature in individuals affected with MPDZ-related conditions. This variant is present in population databases (rs201064037, gnomAD 0.002%). This sequence change replaces threonine, which is neutral and polar, with isoleucine, which is neutral and non-polar, at codon 1747 of the MPDZ protein (p.Thr1747Ile).

NM_001378778.1(MPDZ):c.5240C>T (p.Thr1747Ile)

Gene: MPDZ (multiple PDZ domain crumbs cell polarity complex component; minus strand). Cytogenetic location: 9p23.
Variant type: single nucleotide variant.
Coding change: c.5240C>T on transcript NM_001378778.1 (MANE Select); coding-DNA position 5240, C replaced by T.
Protein change: p.Thr1747Ile; replaces threonine 1747 with isoleucine.
Molecular consequence: missense variant.
Genome position (GRCh38, 1-based): chr9:13,119,641, G>A on the plus strand (C>T on the coding strand, the complement: MPDZ is on the minus strand). VCF-style: chr9-13119641-G-A. GRCh37 (hg19) VCF-style: chr9-13119640-G-A.
Other names: c.5141C>T, p.Thr1714Ile (NM_001261406.2, NM_001261407.2, NM_001375416.1 and 3 more transcripts); c.5240C>T, p.Thr1747Ile (NM_001330637.2, NM_003829.5); c.5339C>T, p.Thr1780Ile (NM_001375413.1); c.5030C>T, p.Thr1677Ile (NM_001375420.1, NM_001375421.1, NM_001375422.1 and 4 more transcripts); c.4832C>T, p.Thr1611Ile (NM_001375427.1); c.5240C>T (NM_003829.3); short protein forms T1747I, T1780I, T1714I, T1611I, T1677I.
Identifiers: ClinVar variation 1920648 (VCV001920648.6), dbSNP rs201064037, ClinGen allele CA4986369.